The following is an entry in ClinVar:

ClinVar aggregate classification (germline): Uncertain significance (1 of 4 stars; one submission).

Conditions:
Borjeson-Forssman-Lehmann syndrome (BFLS). Also called: MENTAL RETARDATION, X-LINKED, SYNDROMIC, BORJESON-FORSSMAN-LEHMANN TYPE; MENTAL RETARDATION, EPILEPSY, AND ENDOCRINE DISORDERS; BORJESON SYNDROME. Identifiers: Orphanet 127, MedGen C0265339, MONDO:0010537, OMIM 301900.

Submission:

3billion
Classification: Uncertain significance for Borjeson-Forssman-Lehmann syndrome. Last evaluated: 2026-01-22. Review status: criteria provided, single submitter. Criteria: ACMG Guidelines, 2015. Collection method: clinical testing. Allele origin: germline. Affected: yes.
Comment: The variant is not observed in the gnomAD v4.1.0 dataset. Predicted Consequence/Location: Missense variant In silico tool predictions suggest damaging effect of the variant on gene or gene product [REVEL: 0.59 (>=0.6, sensitivity 0.68 and specificity 0.92); 3Cnet: 0.96 (> 0.75, sensitivity 0.96 and precision 0.92)]. A different missense change at the same codon (p.Lys234Glu) has been reported to be associated with PHF6-related disorder (ClinVar ID: VCV000011065 /PMID: 12415272). However the evidence of pathogenicity is insufficient at this time. Therefore, this variant is classified as VUS according to the recommendation of ACMG/AMP guideline.

Literature cited by the submitters: PubMed 12415272.

NM_001015877.2(PHF6):c.700A>C (p.Lys234Gln)

Gene: PHF6 (PHD finger protein 6; plus strand). Cytogenetic location: Xq26.2.
Variant type: single nucleotide variant.
Coding change: c.700A>C on transcript NM_001015877.2 (MANE Select); coding-DNA position 700, A replaced by C.
Protein change: p.Lys234Gln; replaces lysine 234 with glutamine.
Molecular consequence: missense variant.
Genome position (GRCh38, 1-based): chrX:134,413,937, A>C. VCF-style: chrX-134413937-A-C. GRCh37 (hg19) VCF-style: chrX-133547967-A-C.
Other names: c.703A>C, p.Lys235Gln (NM_032335.3); c.700A>C, p.Lys234Gln (NM_032458.3); short protein forms K234Q, K235Q.
Identifiers: ClinVar variation 4855865 (VCV004855865.1).